The following is an entry in ClinVar:

NM_012200.4(B3GAT3):c.632G>A (p.Arg211His)

Gene: B3GAT3 (beta-1,3-glucuronyltransferase 3; minus strand). Cytogenetic location: 11q12.3.
Variant type: single nucleotide variant.
Coding change: c.632G>A on transcript NM_012200.4 (MANE Select); coding-DNA position 632, G replaced by A.
Protein change: p.Arg211His; replaces arginine 211 with histidine.
Molecular consequence: missense variant. On other transcripts: non-coding transcript variant (1).
Genome position (GRCh38, 1-based): chr11:62,616,783, C>T on the plus strand (G>A on the coding strand, the complement: B3GAT3 is on the minus strand). VCF-style: chr11-62616783-C-T. GRCh37 (hg19) VCF-style: chr11-62384255-C-T.
Other names: c.611G>A, p.Arg204His (NM_001288721.2); c.632G>A, p.Arg211His (NM_001288722.2, NM_001288723.2); short protein forms R204H, R211H.
Identifiers: ClinVar variation 1374989 (VCV001374989.4), dbSNP rs562657438, ClinGen allele CA6050043.

ClinVar aggregate classification (germline): Uncertain significance. Review status: criteria provided, multiple submitters, no conflicts (2 of 4 stars). 2 submissions from 2 submitters: Uncertain significance (2). Last evaluated 2022-07-12.

Conditions:
Larsen-like syndrome, B3GAT3 type. Also called: Multiple joint dislocations, short stature, craniofacial dysmorphism, with or without congenital heart defects; MULTIPLE JOINT DISLOCATIONS, SHORT STATURE, AND CRANIOFACIAL DYSMORPHISM WITH OR WITHOUT CONGENITAL HEART DEFECTS. Identifiers: Orphanet 284139, MedGen CN034159, MONDO:0009511, OMIM 245600.

Allele frequency attached by ClinVar (database versions not stated): gnomAD exomes 0.00002 and 0.00003; ExAC 0.00004; 1000 Genomes Project 0.00020; 1000 Genomes Project 30x 0.00031.

Submissions (2):

Labcorp Genetics (formerly Invitae), Labcorp
Classification: Uncertain significance for Larsen-like syndrome, B3GAT3 type. Last evaluated: 2022-07-12. Review status: criteria provided, single submitter. Criteria: Invitae Variant Classification Sherloc (09022015). Collection method: clinical testing. Allele origin: germline.
Comment: This sequence change replaces arginine, which is basic and polar, with histidine, which is basic and polar, at codon 211 of the B3GAT3 protein (p.Arg211His). This variant is present in population databases (rs562657438, gnomAD 0.008%). This variant has not been reported in the literature in individuals affected with B3GAT3-related conditions. ClinVar contains an entry for this variant (Variation ID: 1374989). Algorithms developed to predict the effect of missense changes on protein structure and function output the following: SIFT: "Tolerated"; PolyPhen-2: "Benign"; Align-GVGD: "Class C0". The histidine amino acid residue is found in multiple mammalian species, which suggests that this missense change does not adversely affect protein function. In summary, the available evidence is currently insufficient to determine the role of this variant in disease. Therefore, it has been classified as a Variant of Uncertain Significance.

Breakthrough Genomics
Classification: Uncertain significance. Review status: criteria provided, single submitter. Criteria: ACMG Guidelines, 2015. Collection method: not provided. Allele origin: germline. Inheritance: Autosomal recessive inheritance. Affected: yes.